The following is an entry in ClinVar:

ClinVar aggregate classification (germline): Uncertain significance (1 of 4 stars; one submission).

Conditions:
Myoclonic epilepsy, juvenile, susceptibility to, 1. Also called: Myoclonic Epilepsy, Juvenile, 1; EJM1. Identifiers: MedGen C1850778, MONDO:0020752, OMIM 254770.
Absence seizure. Also called: Absence epilepsy. Identifiers: Orphanet 1941, MedGen C0014553.

Submission:

Labcorp Genetics (formerly Invitae), Labcorp
Classification: Uncertain significance for Myoclonic epilepsy, juvenile, susceptibility to, 1; Absence seizure. Last evaluated: 2022-06-27. Review status: criteria provided, single submitter. Criteria: Invitae Variant Classification Sherloc (09022015). Collection method: clinical testing. Allele origin: germline.
Comment: In summary, the available evidence is currently insufficient to determine the role of this variant in disease. Therefore, it has been classified as a Variant of Uncertain Significance. Variants that disrupt the consensus splice site are a relatively common cause of aberrant splicing (PMID: 17576681, 9536098). Algorithms developed to predict the effect of sequence changes on RNA splicing suggest that this variant is not likely to affect RNA splicing. ClinVar contains an entry for this variant (Variation ID: 1051205). This variant has not been reported in the literature in individuals affected with EFHC1-related conditions. This variant is not present in population databases (gnomAD no frequency). This sequence change falls in intron 9 of the EFHC1 gene. It does not directly change the encoded amino acid sequence of the EFHC1 protein. It affects a nucleotide within the consensus splice site.

Literature cited by the submitters: PubMed 17576681; PubMed 9536098.

NM_018100.4(EFHC1):c.1640+3G>T

Gene: EFHC1 (EF-hand domain containing 1; plus strand). Cytogenetic location: 6p12.2.
Variant type: single nucleotide variant.
Coding change: c.1640+3G>T on transcript NM_018100.4 (MANE Select); 3 bases into the intron after coding-DNA position 1640, G replaced by T.
Molecular consequence: intron variant.
Genome position (GRCh38, 1-based): chr6:52,479,790, G>T. VCF-style: chr6-52479790-G-T. GRCh37 (hg19) VCF-style: chr6-52344588-G-T.
Other names: c.1583+3G>T (NM_001172420.2).
Identifiers: ClinVar variation 1051205 (VCV001051205.8), dbSNP rs1581847690, ClinGen allele CA1628833427.